The following is an entry in ClinVar:

ClinVar aggregate classification (germline): Uncertain significance (1 of 4 stars; one submission).

Conditions:
Cardiovascular phenotype. Identifiers: MedGen CN230736.

Allele frequency attached by ClinVar (database versions not stated): gnomAD 0.00001.
gnomAD v4.1: 2 of 1,613,526 alleles (0.00012%); highest among the groups gnomAD compares: East Asian, 0.0045%; no homozygotes.

Submission:

Ambry Genetics
Classification: Uncertain significance for Cardiovascular phenotype. Last evaluated: 2021-06-14. Review status: criteria provided, single submitter. Criteria: Ambry Variant Classification Scheme 2023. Collection method: clinical testing. Allele origin: germline.
Comment: The p.N966K variant (also known as c.2898C>G), located in coding exon 24 of the ABCC9 gene, results from a C to G substitution at nucleotide position 2898. The asparagine at codon 966 is replaced by lysine, an amino acid with similar properties. This amino acid position is well conserved in available vertebrate species. In addition, this alteration is predicted to be tolerated by in silico analysis. Since supporting evidence is limited at this time, the clinical significance of this alteration remains unclear.

NM_020297.4(ABCC9):c.2898C>G (p.Asn966Lys)

Gene: ABCC9 (ATP binding cassette subfamily C member 9; minus strand). Cytogenetic location: 12p12.1.
Variant type: single nucleotide variant.
Coding change: c.2898C>G on transcript NM_020297.4 (MANE Select); coding-DNA position 2898, C replaced by G.
Protein change: p.Asn966Lys; replaces asparagine 966 with lysine.
Molecular consequence: missense variant.
Genome position (GRCh38, 1-based): chr12:21,845,801, G>C on the plus strand (C>G on the coding strand, the complement: ABCC9 is on the minus strand). VCF-style: chr12-21845801-G-C. GRCh37 (hg19) VCF-style: chr12-21998735-G-C.
Other names: c.2898C>G, p.Asn966Lys (NM_001377273.1, NM_005691.4); c.2031C>G, p.Asn677Lys (NM_001377274.1); short protein forms N677K, N966K.
Identifiers: ClinVar variation 1797369 (VCV001797369.2), dbSNP rs1352778611, ClinGen allele CA384120552.
Genomic context (GRCh38, chr12:21,845,801, plus strand): 5'-CAGGTAGCGCCAGCAGGTTTTCCATGGCATTTTAGTCCTGAGCCTCATTACAGTGGACAT[G>C]TTATCATCCTCATCTTCCTCCTCTTCTTCCTCTACATACAAAAAACTTTTGTTTAAGCTT-3'
Protein context (NP_064693.2, residues 956-976): EEEEEEDEDD[Asn966Lys]MSTVMRLRTK